The following is an entry in ClinVar:

ClinVar aggregate classification (germline): Uncertain significance. Review status: criteria provided, multiple submitters, no conflicts (2 of 4 stars). 2 submissions from 2 submitters: Uncertain significance (2). Last evaluated 2026-03-12.

Conditions:
Cardiovascular phenotype. Identifiers: MedGen CN230736.

Submissions (2):

GeneDx
Classification: Uncertain significance. Last evaluated: 2026-03-12. Review status: criteria provided, single submitter. Criteria: GeneDx Variant Classification Process June 2021. Collection method: clinical testing. Allele origin: germline.
Comment: Reported in association with Sudden Unexplained Nocturnal Death Syndrome in the published literature; however, detailed clinical and segregation information was not provided (PMID: 29306897, 27707468); In silico analysis supports that this missense variant has a deleterious effect on protein structure/function; Not observed at significant frequency in large population cohorts (gnomAD); This variant is associated with the following publications: (PMID: 29502107, 29306897, 27707468, 35451387)

Ambry Genetics
Classification: Uncertain significance for Cardiovascular phenotype. Last evaluated: 2013-01-29. Review status: criteria provided, single submitter. Criteria: Ambry Autosomal Dominant and X-Linked criteria (10/2015). Collection method: clinical testing. Allele origin: germline. Observed: 1 variant allele.
Comment: There is insufficient or conflicting evidence for classification of this alteration.

NM_000719.7(CACNA1C):c.4393T>C (p.Phe1465Leu)

Gene: CACNA1C (calcium voltage-gated channel subunit alpha1 C; plus strand). Cytogenetic location: 12p13.33.
Variant type: single nucleotide variant.
Coding change: c.4393T>C on transcript NM_000719.7 (MANE Select); coding-DNA position 4393, T replaced by C.
Protein change: p.Phe1465Leu; replaces phenylalanine 1465 with leucine.
Molecular consequence: missense variant.
Genome position (GRCh38, 1-based): chr12:2,664,985, T>C. VCF-style: chr12-2664985-T-C. GRCh37 (hg19) VCF-style: chr12-2774151-T-C.
Other names: c.4537T>C, p.Phe1513Leu (NM_001129827.2, NM_199460.4); c.4459T>C, p.Phe1487Leu (NM_001129829.2); c.4393T>C, p.Phe1465Leu (NM_001129830.3, NM_001129833.2, NM_001129834.2 and 7 more transcripts); c.4477T>C, p.Phe1493Leu (NM_001129831.2); c.4453T>C, p.Phe1485Leu (NM_001129832.2); c.4444T>C, p.Phe1482Leu (NM_001129836.2); c.4360T>C, p.Phe1454Leu (NM_001129837.2, NM_001129838.2, NM_001129846.2 and 1 more transcripts); c.4354T>C, p.Phe1452Leu (NM_001129839.2); and 1 more; short protein forms F1465L, F1513L, F1482L, F1452L, F1454L, F1462L, F1485L, F1487L.
Identifiers: ClinVar variation 263449 (VCV000263449.4), dbSNP rs886038809, ClinGen allele CA10587746.
Genomic context (GRCh38, chr12:2,664,985, plus strand): 5'-ACACCCTGTGGTAGCAGCTTTGCTGTCTTCTACTTCATCAGCTTCTACATGCTCTGTGCC[T>C]TCCTGGTAAGCCAAGGGGGAACTCAACAGCCAGCAGCCATGACTGCCCAGTTCCAGGGCA-3'
Protein context (NP_000710.5, residues 1455-1475): YFISFYMLCA[Phe1465Leu]LIINLFVAVI